The following is an entry in ClinVar:

NM_000540.3(RYR1):c.8831T>C (p.Met2944Thr)

Gene: RYR1 (ryanodine receptor 1; plus strand). Cytogenetic location: 19q13.2.
Variant type: single nucleotide variant.
Coding change: c.8831T>C on transcript NM_000540.3 (MANE Select); coding-DNA position 8831, T replaced by C.
Protein change: p.Met2944Thr; replaces methionine 2944 with threonine.
Molecular consequence: missense variant.
Genome position (GRCh38, 1-based): chr19:38,507,726, T>C. VCF-style: chr19-38507726-T-C. GRCh37 (hg19) VCF-style: chr19-38998366-T-C.
Other names: c.8831T>C, p.Met2944Thr (NM_001042723.2); short protein forms M2944T.
Identifiers: ClinVar variation 452848 (VCV000452848.4), dbSNP rs1555786188, ClinGen allele CA405681713.

ClinVar aggregate classification (germline): Uncertain significance (1 of 4 stars; one submission).

Submission:

GeneDx
Classification: Uncertain significance. Last evaluated: 2025-09-19. Review status: criteria provided, single submitter. Criteria: GeneDx Variant Classification Process June 2021. Collection method: clinical testing. Allele origin: germline. Affected: yes.
Comment: Not observed at significant frequency in large population cohorts (gnomAD); In silico analysis supports that this missense variant has a deleterious effect on protein structure/function; Has not been previously published as pathogenic or benign to our knowledge; This variant is associated with the following publications: (PMID: 12668474)